The following is an entry in ClinVar:

ClinVar aggregate classification (germline): Uncertain significance (1 of 4 stars; one submission).

Submission:

GeneDx
Classification: Uncertain significance. Last evaluated: 2026-03-02. Review status: criteria provided, single submitter. Criteria: GeneDx Variant Classification Process June 2021. Collection method: clinical testing. Allele origin: germline.
Comment: In-frame duplication of 4 amino acid(s); Not observed at significant frequency in large population cohorts (gnomAD); In silico analysis suggests that this variant does not alter protein structure/function; Has not been previously published as pathogenic or benign to our knowledge

NM_016333.4(SRRM2):c.7896_7907dup (p.Ser2648_Pro2649insSerSerSerSer)

Gene: SRRM2 (serine/arginine repetitive matrix 2; plus strand). Cytogenetic location: 16p13.3.
Variant type: Duplication.
Coding change: c.7896_7907dup on transcript NM_016333.4 (MANE Select); coding-DNA positions 7896 to 7907, 12 bases duplicated (CTCTTCTTCTTC).
Protein change: p.Ser2648_Pro2649insSerSerSerSer.
Molecular consequence: inframe insertion.
Genome position (GRCh38, 1-based): chr16:2,769,159-2,769,170, CTCTTCTTCTTC duplicated; duplicating any 12 consecutive bases within chr16:2,769,154-2,769,170 gives the same sequence; the c. name uses the placement nearest the transcript's 3' end. VCF-style (leftmost placement, unchanged base first): chr16-2769153-C-CTCTTCCTCTTCT. GRCh37 (hg19) VCF-style: chr16-2819154-C-CTCTTCCTCTTCT.
Identifiers: ClinVar variation 5008339 (VCV005008339.1).